The following is an entry in ClinVar:

NM_001378778.1(MPDZ):c.5590G>A (p.Glu1864Lys)

Gene: MPDZ (multiple PDZ domain crumbs cell polarity complex component; minus strand). Cytogenetic location: 9p23.
Variant type: single nucleotide variant.
Coding change: c.5590G>A on transcript NM_001378778.1 (MANE Select); coding-DNA position 5590, G replaced by A.
Protein change: p.Glu1864Lys; replaces glutamic acid 1864 with lysine.
Molecular consequence: missense variant.
Genome position (GRCh38, 1-based): chr9:13,113,022, C>T on the plus strand (G>A on the coding strand, the complement: MPDZ is on the minus strand). VCF-style: chr9-13113022-C-T. GRCh37 (hg19) VCF-style: chr9-13113021-C-T.
Other names: c.5689G>A, p.Glu1897Lys (NM_001375413.1); c.5491G>A, p.Glu1831Lys (NM_001375416.1, NM_001375417.1, NM_001375418.1 and 1 more transcripts); c.5404G>A, p.Glu1802Lys (NM_001375419.1, NM_001261407.2); c.5380G>A, p.Glu1794Lys (NM_001375420.1, NM_001375421.1, NM_001375422.1 and 2 more transcripts); c.5590G>A, p.Glu1864Lys (NM_001330637.2); c.5293G>A, p.Glu1765Lys (NM_001375425.1, NM_001375426.1); c.5182G>A, p.Glu1728Lys (NM_001375427.1); c.5503G>A, p.Glu1835Lys (NM_003829.5); and 1 more; short protein forms E1728K, E1802K, E1831K, E1835K, E1864K, E1897K, E1794K, E1765K.
Identifiers: ClinVar variation 1361062 (VCV001361062.10), dbSNP rs776416799, ClinGen allele CA4986200.

ClinVar aggregate classification (germline): Uncertain significance. Review status: criteria provided, multiple submitters, no conflicts (2 of 4 stars). 2 submissions from 2 submitters: Uncertain significance (2). Last evaluated 2025-12-15.

Conditions:
Inborn genetic diseases. Identifiers: MedGen C0950123, MeSH D030342.

Allele frequency attached by ClinVar (database versions not stated): TOPMed 0.00002; gnomAD 0.00004.
gnomAD v4.1: 30 of 1,585,288 alleles (0.0019%); highest among the groups gnomAD compares: Middle Eastern, 0.017%; no homozygotes.

Submissions (2):

Ambry Genetics
Classification: Uncertain significance for Inborn genetic diseases. Last evaluated: 2025-12-15. Review status: criteria provided, single submitter. Criteria: Ambry Variant Classification Scheme 2023. Collection method: clinical testing. Allele origin: germline.

Labcorp Genetics (formerly Invitae), Labcorp
Classification: Uncertain significance. Last evaluated: 2023-08-10. Review status: criteria provided, single submitter. Criteria: Invitae Variant Classification Sherloc (09022015). Collection method: clinical testing. Allele origin: germline.
Comment: The frequency data for this variant in the population databases is considered unreliable, as metrics indicate poor data quality at this position in the gnomAD database. In summary, the available evidence is currently insufficient to determine the role of this variant in disease. Therefore, it has been classified as a Variant of Uncertain Significance. An algorithm developed to predict the effect of missense changes on protein structure and function (PolyPhen-2) suggests that this variant is likely to be disruptive. ClinVar contains an entry for this variant (Variation ID: 1361062). This variant has not been reported in the literature in individuals affected with MPDZ-related conditions. This sequence change replaces glutamic acid, which is acidic and polar, with lysine, which is basic and polar, at codon 1835 of the MPDZ protein (p.Glu1835Lys).